The following is an entry in ClinVar:

NM_000038.6(APC):c.5025T>G (p.Val1675=)

Gene: APC (APC regulator of Wnt signaling pathway; plus strand). Cytogenetic location: 5q22.2.
Variant type: single nucleotide variant.
Coding change: c.5025T>G on transcript NM_000038.6 (MANE Select); coding-DNA position 5025, T replaced by G.
Protein change: p.Val1675=; no amino-acid change (valine 1675 retained).
Molecular consequence: synonymous variant.
Genome position (GRCh38, 1-based): chr5:112,840,619, T>G. VCF-style: chr5-112840619-T-G. GRCh37 (hg19) VCF-style: chr5-112176316-T-G.
Other names: c.5025T>G, p.Val1675= (NM_001127510.3, NM_001354895.2); c.4971T>G, p.Val1657= (NM_001127511.3); c.5079T>G, p.Val1693= (NM_001354896.2); c.5055T>G, p.Val1685= (NM_001354897.2); c.4950T>G, p.Val1650= (NM_001354898.2); c.4941T>G, p.Val1647= (NM_001354899.2); c.4902T>G, p.Val1634= (NM_001354900.2); c.4848T>G, p.Val1616= (NM_001354901.2); and 5 more.
Identifiers: ClinVar variation 229746 (VCV000229746.28), dbSNP rs876658169, ClinGen allele CA3368169.

ClinVar aggregate classification (germline): Benign/Likely benign. Review status: criteria provided, multiple submitters, no conflicts (2 of 4 stars). 11 submissions from 11 submitters: Benign (5); Likely benign (5). 1 of the submissions does not count toward it. Last evaluated 2026-04-01.

Conditions:
Classic or attenuated familial adenomatous polyposis. Identifiers: MedGen CN372698, MONDO:0021057.
APC-related disorder. Also called: APC-related condition.
Hereditary cancer-predisposing syndrome. Also called: Neoplastic Syndromes, Hereditary; Hereditary Cancer Syndrome; Tumor predisposition; Hereditary neoplastic syndrome. Identifiers: Orphanet 140162, MedGen C0027672, MeSH D009386, MONDO:0015356.
Familial adenomatous polyposis 1 (FAP1). Also called: POLYPOSIS, ADENOMATOUS INTESTINAL; FAMILIAL ADENOMATOUS POLYPOSIS 1, ATTENUATED. Identifiers: MedGen C2713442, MONDO:0021056, OMIM 175100. Disease mechanism: loss of function.

Allele frequency attached by ClinVar (database versions not stated): gnomAD exomes 0.00003 and 0.00018; gnomAD 0.00009; TOPMed 0.00009; ExAC 0.00019.
gnomAD v4.1: 55 of 1,613,910 alleles (0.0034%); highest among the groups gnomAD compares: Admixed American, 0.092%; no homozygotes.

Submissions (11):

CeGaT Center for Human Genetics Tuebingen
Classification: Likely benign. Last evaluated: 2026-04-01. Review status: criteria provided, single submitter. Criteria: CeGaT Center For Human Genetics Tuebingen Variant Classification Criteria Version 2. Collection method: clinical testing. Allele origin: germline. Affected: yes. Observed: 2 variant alleles.
Comment: APC: BP4, BP7

Labcorp Genetics (formerly Invitae), Labcorp
Classification: Benign for Familial adenomatous polyposis 1. Last evaluated: 2026-01-31. Review status: criteria provided, single submitter. Criteria: Invitae Variant Classification Sherloc (09022015). Collection method: clinical testing. Allele origin: germline.

Myriad Genetics, Inc.
Classification: Benign for Familial adenomatous polyposis 1. Last evaluated: 2024-03-28. Review status: criteria provided, single submitter. Criteria: Myriad Autosomal Dominant, Autosomal Recessive and X-Linked Classification Criteria (2023). Collection method: clinical testing. Allele origin: unknown.
Comment: This variant is considered benign. This variant is a silent/synonymous amino acid change and it is not expected to impact splicing.

All of Us Research Program, National Institutes of Health
Classification: Likely benign for Classic or attenuated familial adenomatous polyposis. Last evaluated: 2024-01-18. Review status: criteria provided, single submitter. Criteria: ACMG Guidelines, 2015. Collection method: clinical testing. Allele origin: germline. Inheritance: Autosomal dominant inheritance. Observed: 21 variant alleles, 21 heterozygotes.
Comment: This study involves interpretation of variants in research participants for the purpose of population health screening. Participant phenotype was not available at the time of variant classification. Additional details can be found in publication PMID: 35346344, PMCID: PMC8962531

Women's Health and Genetics/Laboratory Corporation of America, LabCorp
Classification: Benign. Last evaluated: 2022-12-08. Review status: criteria provided, single submitter. Criteria: LabCorp Variant Classification Summary - May 2015. Collection method: clinical testing. Allele origin: germline.

Quest Diagnostics Nichols Institute San Juan Capistrano
Classification: Benign. Last evaluated: 2022-08-30. Review status: criteria provided, single submitter. Criteria: Quest Diagnostics criteria. Collection method: clinical testing. Allele origin: unknown.

Sema4
Classification: Benign for Hereditary cancer-predisposing syndrome. Last evaluated: 2021-09-15. Review status: criteria provided, single submitter. Criteria: Sema4 Curation Guidelines. Collection method: curation. Allele origin: germline.

GeneDx
Classification: Likely benign. Last evaluated: 2019-03-27. Review status: criteria provided, single submitter. Criteria: GeneDx Variant Classification Process June 2021. Collection method: clinical testing. Allele origin: germline. Affected: yes.

Color Diagnostics, LLC DBA Color Health
Classification: Likely benign for Hereditary cancer-predisposing syndrome. Last evaluated: 2017-03-07. Review status: criteria provided, single submitter. Criteria: ACMG Guidelines, 2015. Collection method: clinical testing. Allele origin: germline.

Ambry Genetics
Classification: Likely benign for Hereditary cancer-predisposing syndrome. Last evaluated: 2014-12-13. Review status: criteria provided, single submitter. Criteria: Ambry Variant Classification Scheme 2023. Collection method: clinical testing. Allele origin: germline.

PreventionGenetics, part of Exact Sciences
Classification: Likely benign for APC-related condition. Last evaluated: 2019-07-31. Review status: no assertion criteria provided. Collection method: clinical testing. Allele origin: germline. Not counted in ClinVar's aggregate classification.
Comment: This variant is classified as likely benign based on ACMG/AMP sequence variant interpretation guidelines (Richards et al. 2015 PMID: 25741868, with internal and published modifications).